The following is an entry in ClinVar:

ClinVar aggregate classification (germline): Benign (1 of 4 stars; one submission).

Allele frequency attached by ClinVar (database versions not stated): 1000 Genomes Project 0.57428; 1000 Genomes Project 30x 0.57948; TOPMed 0.68641; gnomAD 0.70115; gnomAD exomes 0.74404.
gnomAD v4.1: 715,457 of 971,306 alleles (74%); highest among the groups gnomAD compares: Non-Finnish European, 79%; 270,706 homozygotes.

Submission:

Unidad de Genómica Garrahan, Hospital de Pediatría Garrahan
Classification: Benign. Last evaluated: 2023-11-12. Review status: criteria provided, single submitter. Criteria: ACMG Guidelines, 2015. Collection method: clinical testing. Allele origin: germline. Affected: no. Observed: 66 variant alleles.
Comment: This variant is classified as Benign based on local population frequency. This variant was detected in 69% of patients studied by a panel of primary immunodeficiencies. Number of patients: 66. Only high quality variants are reported.

NM_000572.3(IL10):c.166-101T>G

Genes: IL10 (interleukin 10; minus strand), IL19 (interleukin 19; plus strand). Cytogenetic location: 1q32.1.
Variant type: single nucleotide variant.
Coding change: c.166-101T>G on transcript NM_000572.3 (MANE Select); 101 bases into the intron before coding-DNA position 166, T replaced by G.
Molecular consequence: intron variant.
Genome position (GRCh38, 1-based): chr1:206,771,516, A>C on the plus strand (T>G on the coding strand, the complement: IL10 is on the minus strand). VCF-style: chr1-206771516-A-C. GRCh37 (hg19) VCF-style: chr1-206944861-A-C.
Other names: c.-149+438A>C (NM_153758.5); c.-149+686A>C (NM_001393490.1).
Identifiers: ClinVar variation 2628131 (VCV002628131.2), dbSNP rs1518110, ClinGen allele CA10699286.